The following is an entry in ClinVar:

NM_000163.5(GHR):c.1746A>G (p.Gly582=)

Gene: GHR (growth hormone receptor; plus strand). Cytogenetic location: 5p12.
Variant type: single nucleotide variant.
Coding change: c.1746A>G on transcript NM_000163.5 (MANE Select); coding-DNA position 1746, A replaced by G.
Protein change: p.Gly582=; no amino-acid change (glycine 582 retained).
Molecular consequence: synonymous variant. On other transcripts: 3 prime UTR variant (1).
Genome position (GRCh38, 1-based): chr5:42,719,253, A>G. VCF-style: chr5-42719253-A-G. GRCh37 (hg19) VCF-style: chr5-42719355-A-G.
Other names: c.1767A>G, p.Gly589= (NM_001242399.2); c.1746A>G, p.Gly582= (NM_001242400.2, NM_001242401.4, NM_001242402.2 and 4 more transcripts); c.1680A>G, p.Gly560= (NM_001242460.2); c.*788A>G (NM_001242462.1).
Identifiers: ClinVar variation 3250757 (VCV003250757.18), dbSNP rs2530783618.
Genomic context (GRCh38, chr5:42,719,253, plus strand): 5'-AGAGGACATTTACATCACCACAGAAAGCCTTACCACTGCTGCTGGGAGGCCTGGGACAGG[A>G]GAACATGTTCCAGGTTCTGAGATGCCTGTCCCAGACTATACCTCCATTCATATAGTACAG-3'
Protein context (NP_000154.1, residues 572-592): LTTAAGRPGT[Gly582=]EHVPGSEMPV

ClinVar aggregate classification (germline): Likely benign (1 of 4 stars; one submission).

Submission:

CeGaT Center for Human Genetics Tuebingen
Classification: Likely benign. Last evaluated: 2024-06-01. Review status: criteria provided, single submitter. Criteria: CeGaT Center For Human Genetics Tuebingen Variant Classification Criteria Version 2. Collection method: clinical testing. Allele origin: germline. Affected: yes. Observed: 1 variant allele.
Comment: GHR: PM2:Supporting, BP4, BP7